The following is an entry in ClinVar:

ClinVar aggregate classification (germline): Uncertain significance (1 of 4 stars; one submission).

gnomAD v4.1: 1 of 1,614,078 alleles (0.000062%); highest among the groups gnomAD compares: Non-Finnish European, 0.000085%; no homozygotes.

Submission:

Labcorp Genetics (formerly Invitae), Labcorp
Classification: Uncertain significance. Last evaluated: 2024-09-29. Review status: criteria provided, single submitter. Criteria: Invitae Variant Classification Sherloc (09022015). Collection method: clinical testing. Allele origin: germline.
Comment: This sequence change replaces glycine, which is neutral and non-polar, with serine, which is neutral and polar, at codon 765 of the CSF2RB protein (p.Gly765Ser). This variant is not present in population databases (gnomAD no frequency). This variant has not been reported in the literature in individuals affected with CSF2RB-related conditions. Invitae Evidence Modeling of protein sequence and biophysical properties (such as structural, functional, and spatial information, amino acid conservation, physicochemical variation, residue mobility, and thermodynamic stability) indicates that this missense variant is not expected to disrupt CSF2RB protein function with a negative predictive value of 80%. In summary, the available evidence is currently insufficient to determine the role of this variant in disease. Therefore, it has been classified as a Variant of Uncertain Significance.

NM_000395.3(CSF2RB):c.2293G>A (p.Gly765Ser)

Gene: CSF2RB (colony stimulating factor 2 receptor subunit beta; plus strand). Cytogenetic location: 22q12.3.
Variant type: single nucleotide variant.
Coding change: c.2293G>A on transcript NM_000395.3 (MANE Select); coding-DNA position 2293, G replaced by A.
Protein change: p.Gly765Ser; replaces glycine 765 with serine.
Molecular consequence: missense variant.
Genome position (GRCh38, 1-based): chr22:36,938,101, G>A. VCF-style: chr22-36938101-G-A. GRCh37 (hg19) VCF-style: chr22-37334143-G-A.
Other names: c.2311G>A, p.Gly771Ser (NM_001410827.1); short protein forms G765S, G771S.
Identifiers: ClinVar variation 3621114 (VCV003621114.2).